The following is an entry in ClinVar:

NM_001164508.2(NEB):c.8660G>A (p.Arg2887Gln)

Gene: NEB (nebulin; minus strand). Cytogenetic location: 2q23.3.
Variant type: single nucleotide variant.
Coding change: c.8660G>A on transcript NM_001164508.2 (MANE Select); coding-DNA position 8660, G replaced by A.
Protein change: p.Arg2887Gln; replaces arginine 2887 with glutamine.
Molecular consequence: missense variant.
Genome position (GRCh38, 1-based): chr2:151,640,380, C>T on the plus strand (G>A on the coding strand, the complement: NEB is on the minus strand). VCF-style: chr2-151640380-C-T. GRCh37 (hg19) VCF-style: chr2-152496894-C-T.
Other names: c.8660G>A, p.Arg2887Gln (NM_001164507.2, NM_001271208.2, NM_004543.5); short protein forms R2887Q.
Identifiers: ClinVar variation 893179 (VCV000893179.5), dbSNP rs781688981, ClinGen allele CA1909536.

ClinVar aggregate classification (germline): Uncertain significance. Review status: criteria provided, multiple submitters, no conflicts (2 of 4 stars). 2 submissions from 2 submitters: Uncertain significance (2). Last evaluated 2019-11-15.

Conditions:
Nemaline myopathy 2 (NEM2). Also called: Nemaline myopathy 2, autosomal recessive. Identifiers: MedGen C1850569, MONDO:0009725, OMIM 256030.

Allele frequency attached by ClinVar (database versions not stated): ExAC 0.00001; gnomAD exomes 0.00001.
gnomAD v4.1: 11 of 1,613,896 alleles (0.00068%); highest among the groups gnomAD compares: East Asian, 0.0022%; no homozygotes.

Submissions (2):

Baylor Genetics
Classification: Uncertain significance for Nemaline myopathy 2. Last evaluated: 2019-11-15. Review status: criteria provided, single submitter. Criteria: ACMG Guidelines, 2015. Collection method: clinical testing. Allele origin: unknown. Affected: yes.
Comment: This variant was determined to be of uncertain significance according to ACMG Guidelines, 2015 [PMID:25741868].

Illumina Laboratory Services, Illumina
Classification: Uncertain significance for Nemaline myopathy 2. Last evaluated: 2018-01-12. Review status: criteria provided, single submitter. Criteria: ICSL Variant Classification Criteria 13 December 2019. Collection method: clinical testing. Allele origin: germline.